The following is an entry in ClinVar:

NM_000264.5(PTCH1):c.2350G>A (p.Glu784Lys)

Genes: PTCH1 (patched 1; minus strand), LOC100507346 (uncharacterized LOC100507346; plus strand). Cytogenetic location: 9q22.32.
Variant type: single nucleotide variant.
Coding change: c.2350G>A on transcript NM_000264.5 (MANE Select); coding-DNA position 2350, G replaced by A.
Protein change: p.Glu784Lys; replaces glutamic acid 784 with lysine.
Molecular consequence: missense variant.
Genome position (GRCh38, 1-based): chr9:95,467,326, C>T on the plus strand (G>A on the coding strand, the complement: PTCH1 is on the minus strand). VCF-style: chr9-95467326-C-T. GRCh37 (hg19) VCF-style: chr9-98229608-C-T.
Other names: c.2152G>A, p.Glu718Lys (NM_001083602.3); c.2347G>A, p.Glu783Lys (NM_001083603.3); c.1897G>A, p.Glu633Lys (NM_001083606.3, NM_001083607.3, NM_001083604.3 and 1 more transcripts); c.2194G>A, p.Glu732Lys (NM_001354918.2); short protein forms E633K, E732K, E783K, E718K, E784K.
Identifiers: ClinVar variation 4146812 (VCV004146812.1).

ClinVar aggregate classification (germline): Uncertain significance (1 of 4 stars; one submission).

Conditions:
Hereditary cancer-predisposing syndrome. Also called: Hereditary neoplastic syndrome; Neoplastic Syndromes, Hereditary; Tumor predisposition; Hereditary Cancer Syndrome. Identifiers: Orphanet 140162, MedGen C0027672, MeSH D009386, MONDO:0015356.

Submission:

Ambry Genetics
Classification: Uncertain significance for Hereditary cancer-predisposing syndrome. Last evaluated: 2025-06-24. Review status: criteria provided, single submitter. Criteria: Ambry Variant Classification Scheme 2023. Collection method: clinical testing. Allele origin: germline.
Comment: The p.E784K variant (also known as c.2350G>A), located in coding exon 15 of the PTCH1 gene, results from a G to A substitution at nucleotide position 2350. The glutamic acid at codon 784 is replaced by lysine, an amino acid with similar properties. This amino acid position is well conserved in available vertebrate species. In addition, the in silico prediction for this alteration is inconclusive. Based on the available evidence, the clinical significance of this variant remains unclear.